The following is an entry in ClinVar:

ClinVar aggregate classification (germline): Pathogenic/Likely pathogenic. Review status: no assertion criteria provided (0 of 4 stars). 2 submissions from 2 submitters: Pathogenic (1); Likely pathogenic (1). Last evaluated 2021-08-10.

Conditions:
Thrombocytopenia 7. Also called: THROMBOCYTOPENIA, AUTOSOMAL DOMINANT, 7. Identifiers: MedGen C5436874, MONDO:0030867, OMIM 619130.

Submissions (2):

OMIM
Classification: Pathogenic for THROMBOCYTOPENIA 7. Last evaluated: 2021-08-10. Review status: no assertion criteria provided. Collection method: literature only. Allele origin: germline.

ISTH-SSC Genomics in Thrombosis and Hemostasis, KU Leuven, Center for Molecular and Vascular Biology
Classification: Likely pathogenic for Thrombocytopenia 7. Review status: no assertion criteria provided. Collection method: research. Allele origin: maternal. Affected: yes.
Comment: Submitted to GoldVariant by Eva Leinoe from Genomic Medicine, Rigshospitalet, Copenhagen, Denmark

Literature cited by the submitters: PubMed 32419556 (cited by OMIM).

NM_001372123.1(IKZF5):c.355T>C (p.Ser119Pro)

Gene: IKZF5 (IKAROS family zinc finger 5; minus strand). Cytogenetic location: 10q26.13.
Variant type: single nucleotide variant.
Coding change: c.355T>C on transcript NM_001372123.1 (MANE Select); coding-DNA position 355, T replaced by C.
Protein change: p.Ser119Pro; replaces serine 119 with proline.
Molecular consequence: missense variant.
Genome position (GRCh38, 1-based): chr10:122,994,685, A>G on the plus strand (T>C on the coding strand, the complement: IKZF5 is on the minus strand). VCF-style: chr10-122994685-A-G. GRCh37 (hg19) VCF-style: chr10-124754201-A-G.
Other names: S119P; c.355T>C, p.Ser119Pro (NM_001271840.1, NM_001372125.1, NM_001372126.1 and 2 more transcripts); c.151T>C, p.Ser51Pro (NM_001372124.1, NM_001372129.1, NM_001372130.1 and 1 more transcripts); short protein forms S51P.
Identifiers: ClinVar variation 989447 (VCV000989447.4), dbSNP rs1849295075, ClinGen allele CA378613201.